The following is an entry in ClinVar:

NM_017780.4(CHD7):c.320C>A (p.Thr107Asn)

Gene: CHD7 (chromodomain helicase DNA binding protein 7; plus strand). Cytogenetic location: 8q12.2.
Variant type: single nucleotide variant.
Coding change: c.320C>A on transcript NM_017780.4 (MANE Select); coding-DNA position 320, C replaced by A.
Protein change: p.Thr107Asn; replaces threonine 107 with asparagine.
Molecular consequence: missense variant.
Genome position (GRCh38, 1-based): chr8:60,741,752, C>A. VCF-style: chr8-60741752-C-A. GRCh37 (hg19) VCF-style: chr8-61654311-C-A.
Other names: c.320C>A, p.Thr107Asn (NM_001316690.1); short protein forms T107N.
Identifiers: ClinVar variation 2157221 (VCV002157221.11), dbSNP rs1057234037, ClinGen allele CA177312629.
Genomic context (GRCh38, chr8:60,741,752, plus strand): 5'-ACAGAATGATGAGCAACACCCCTGGGAACGGACTCGCGTCTCCGCACTCGCAGTATCACA[C>A]CCCTCCCGTTCCTCAGGTGCCCCATGGTGGCAGTGGTGGCGGTCAGATGGGTGTCTACCC-3'
Protein context (NP_060250.2, residues 97-117): GLASPHSQYH[Thr107Asn]PPVPQVPHGG

ClinVar aggregate classification (germline): Likely benign. Review status: criteria provided, multiple submitters, no conflicts (2 of 4 stars). 2 submissions from 2 submitters: Likely benign (2). Last evaluated 2025-09-01.

Conditions:
CHARGE syndrome (CHARGE). Also called: Hittner Hirsch Kreh syndrome; CHARGE ASSOCIATION--COLOBOMA, HEART ANOMALY, CHOANAL ATRESIA, RETARDATION, GENITAL AND EAR ANOMALIES; Coloboma, heart anomaly, choanal atresia, retardation, genital and ear anomalies; CHARGE association; Hall-Hittner syndrome. Identifiers: Orphanet 138, MedGen C0265354, MONDO:0008965.

Allele frequency attached by ClinVar (database versions not stated): gnomAD 0.00001; TOPMed 0.00001.
gnomAD v4.1: 11 of 1,613,810 alleles (0.00068%); highest among the groups gnomAD compares: Non-Finnish European, 0.00085%; no homozygotes.

Submissions (2):

CeGaT Center for Human Genetics Tuebingen
Classification: Likely benign. Last evaluated: 2025-09-01. Review status: criteria provided, single submitter. Criteria: CeGaT Center For Human Genetics Tuebingen Variant Classification Criteria Version 2. Collection method: clinical testing. Allele origin: germline. Affected: yes. Observed: 1 variant allele.
Comment: CHD7: BP4, BS2

Labcorp Genetics (formerly Invitae), Labcorp
Classification: Likely benign for CHARGE syndrome. Last evaluated: 2025-03-31. Review status: criteria provided, single submitter. Criteria: Invitae Variant Classification Sherloc (09022015). Collection method: clinical testing. Allele origin: germline.